The following is an entry in ClinVar:

ClinVar aggregate classification (germline): Pathogenic (1 of 4 stars; one submission).

Conditions:
Hereditary leiomyomatosis and renal cell cancer. Also called: MULTIPLE CUTANEOUS AND UTERINE LEIOMYOMATA 1, WITH OR WITHOUT RENAL CELL CARCINOMA; Multiple cutaneous leiomyomas; LEIOMYOMA, MULTIPLE CUTANEOUS; Familial leiomyomatosis; Reed syndrome; Multiple cutaneous and uterine leiomyomatosis. Identifiers: Orphanet 523, MedGen C1708350, MONDO:0007888, OMIM 150800, HP:0007437. Disease mechanism: loss of function.

Submission:

Myriad Genetics, Inc.
Classification: Pathogenic for Hereditary leiomyomatosis and renal cell cancer. Last evaluated: 2023-11-15. Review status: criteria provided, single submitter. Criteria: Myriad Autosomal Dominant, Autosomal Recessive and X-Linked Classification Criteria (2023). Collection method: clinical testing. Allele origin: unknown.
Comment: This variant is considered pathogenic. This variant creates a frameshift predicted to result in premature protein truncation.

NM_000143.4(FH):c.233dup (p.Asn78fs)

Gene: FH (fumarate hydratase; minus strand). Cytogenetic location: 1q43.
Variant type: Duplication.
Coding change: c.233dup on transcript NM_000143.4 (MANE Select); coding-DNA position 233, one base duplicated (A; older notation c.233dupA).
Protein change: p.Asn78fs; shifts the reading frame from asparagine 78.
Molecular consequence: frameshift variant.
Genome position (GRCh38, 1-based): chr1:241,517,216, T duplicated on the plus strand (A on the coding strand, the reverse complement: FH is on the minus strand); the first of 2 consecutive T bases (chr1:241,517,216-241,517,217); duplicating either gives the same sequence. VCF-style (leftmost placement, unchanged base first): chr1-241517215-G-GT. GRCh37 (hg19) VCF-style: chr1-241680515-G-GT.
Other names: short protein forms N78fs.
Identifiers: ClinVar variation 2674008 (VCV002674008.1), dbSNP rs2527340210, ClinGen allele CA2695200397.
Genomic context (GRCh38, chr1:241,517,215, plus strand): 5'-GCCAACATTTCCACAAATGCCACTTACTGGCATGCGTTCTGTCACACCTCCAATCTTAAA[G>GT]TTCATCGTAGATCTCACGGTCTGGGCGCCATAATACTTATCATTTGGCACCTTTAGTTCA-3'